The following is an entry in ClinVar:

NM_003924.4(PHOX2B):c.823C>A (p.Pro275Thr)

Gene: PHOX2B (paired like homeobox 2B; minus strand). Cytogenetic location: 4p13.
Variant type: single nucleotide variant.
Coding change: c.823C>A on transcript NM_003924.4 (MANE Select); coding-DNA position 823, C replaced by A.
Protein change: p.Pro275Thr; replaces proline 275 with threonine.
Molecular consequence: missense variant.
Genome position (GRCh38, 1-based): chr4:41,745,929, G>T on the plus strand (C>A on the coding strand, the complement: PHOX2B is on the minus strand). VCF-style: chr4-41745929-G-T. GRCh37 (hg19) VCF-style: chr4-41747946-G-T.
Other names: short protein forms P275T.
Identifiers: ClinVar variation 5026596 (VCV005026596.1).

ClinVar aggregate classification (germline): Uncertain significance (1 of 4 stars; one submission).

Conditions:
Hereditary cancer-predisposing syndrome. Also called: Neoplastic Syndromes, Hereditary; Tumor predisposition; Hereditary neoplastic syndrome; Hereditary Cancer Syndrome. Identifiers: Orphanet 140162, MedGen C0027672, MeSH D009386, MONDO:0015356.

Submission:

Ambry Genetics
Classification: Uncertain significance for Hereditary cancer-predisposing syndrome. Last evaluated: 2026-07-07. Review status: criteria provided, single submitter. Criteria: Ambry Variant Classification Scheme 2023. Collection method: clinical testing. Allele origin: germline.
Comment: The p.P275T variant (also known as c.823C>A), located in coding exon 3 of the PHOX2B gene, results from a C to A substitution at nucleotide position 823. The proline at codon 275 is replaced by threonine, an amino acid with highly similar properties. This amino acid position is conserved. In addition, this alteration is predicted to be tolerated by in silico analysis. Based on the available evidence, the clinical significance of this variant remains unclear.